The following is an entry in ClinVar:

NM_020207.7(ERCC6L2):c.1910T>A (p.Val637Glu)

Gene: ERCC6L2 (ERCC excision repair 6 like 2; plus strand). Cytogenetic location: 9q22.32.
Variant type: single nucleotide variant.
Coding change: c.1910T>A on transcript NM_020207.7 (MANE Select); coding-DNA position 1910, T replaced by A.
Protein change: p.Val637Glu; replaces valine 637 with glutamic acid.
Molecular consequence: missense variant. On other transcripts: non-coding transcript variant (1).
Genome position (GRCh38, 1-based): chr9:95,955,976, T>A. VCF-style: chr9-95955976-T-A. GRCh37 (hg19) VCF-style: chr9-98718258-T-A.
Other names: c.1910T>A, p.Val637Glu (NM_001010895.4, NM_001375291.1, NM_001375292.1 and 2 more transcripts); short protein forms V637E.
Identifiers: ClinVar variation 3510011 (VCV003510011.1).

ClinVar aggregate classification (germline): Uncertain significance (1 of 4 stars; one submission).

Conditions:
Inborn genetic diseases. Identifiers: MedGen C0950123, MeSH D030342.

Submission:

Ambry Genetics
Classification: Uncertain significance for Inborn genetic diseases. Last evaluated: 2024-12-02. Review status: criteria provided, single submitter. Criteria: Ambry Variant Classification Scheme 2023. Collection method: clinical testing. Allele origin: germline.
Comment: The p.V637E variant (also known as c.1910T>A), located in coding exon 13 of the ERCC6L2 gene, results from a T to A substitution at nucleotide position 1910. The valine at codon 637 is replaced by glutamic acid, an amino acid with dissimilar properties. This amino acid position is conserved. In addition, this alteration is predicted to be deleterious by in silico analysis. Based on the available evidence, the clinical significance of this variant remains unclear.